The following is an entry in ClinVar:

ClinVar aggregate classification (germline): Uncertain significance (0 of 4 stars; one submission).

Conditions:
FLNB-related disorder. Also called: FLNB-related disorders; FLNB-related condition. Identifiers: MedGen CN381095.

Submission:

PreventionGenetics, part of Exact Sciences
Classification: Uncertain significance for FLNB-related condition. Last evaluated: 2024-02-15. Review status: no assertion criteria provided. Collection method: clinical testing. Allele origin: germline.
Comment: The FLNB c.5934C>G variant is predicted to result in the amino acid substitution p.Ile1978Met. To our knowledge, this variant has not been reported in the literature or in a large population database, indicating this variant is rare. At this time, the clinical significance of this variant is uncertain due to the absence of conclusive functional and genetic evidence.

NM_001457.4(FLNB):c.5934C>G (p.Ile1978Met)

Gene: FLNB (filamin B; plus strand). Cytogenetic location: 3p14.3.
Variant type: single nucleotide variant.
Coding change: c.5934C>G on transcript NM_001457.4 (MANE Select); coding-DNA position 5934, C replaced by G.
Protein change: p.Ile1978Met; replaces isoleucine 1978 with methionine.
Molecular consequence: missense variant.
Genome position (GRCh38, 1-based): chr3:58,148,695, C>G. VCF-style: chr3-58148695-C-G. GRCh37 (hg19) VCF-style: chr3-58134422-C-G.
Other names: c.6027C>G, p.Ile2009Met (NM_001164317.2); c.5901C>G, p.Ile1967Met (NM_001164318.2); c.5862C>G, p.Ile1954Met (NM_001164319.2); short protein forms I1954M, I1967M, I1978M, I2009M.
Identifiers: ClinVar variation 3061277 (VCV003061277.2), dbSNP rs1280047807, ClinGen allele CA353356165.
Genomic context (GRCh38, chr3:58,148,695, plus strand): 5'-GTGTTCTGGTCCAGGCATCTCCTTCATCCCCCGGGAAGTGGGCGAACATCTGGTCAGCAT[C>G]AAGAAAAATGGCAACCATGTGGCCAACAGCCCCGTGTCTATCATGGTGGTCCAGTCGGAG-3'
Protein context (NP_001448.2, residues 1968-1988): PREVGEHLVS[Ile1978Met]KKNGNHVANS